The following is an entry in ClinVar:

NM_001376.5(DYNC1H1):c.8842C>T (p.Arg2948Cys)

Gene: DYNC1H1 (dynein cytoplasmic 1 heavy chain 1; plus strand). Cytogenetic location: 14q32.31.
Variant type: single nucleotide variant.
Coding change: c.8842C>T on transcript NM_001376.5 (MANE Select); coding-DNA position 8842, C replaced by T.
Protein change: p.Arg2948Cys; replaces arginine 2948 with cysteine.
Molecular consequence: missense variant.
Genome position (GRCh38, 1-based): chr14:102,027,244, C>T. VCF-style: chr14-102027244-C-T. GRCh37 (hg19) VCF-style: chr14-102493581-C-T.
Other names: short protein forms R2948C.
Identifiers: ClinVar variation 2846657 (VCV002846657.3), dbSNP rs2503803480, ClinGen allele CA391009994.

ClinVar aggregate classification (germline): Uncertain significance (1 of 4 stars; one submission).

Conditions:
Charcot-Marie-Tooth disease axonal type 2O. Also called: CHARCOT-MARIE-TOOTH NEUROPATHY, AXONAL, TYPE 2O; CHARCOT-MARIE-TOOTH DISEASE, AXONAL, AUTOSOMAL DOMINANT, TYPE 2O; Charcot-Marie-Tooth Neuropathy Type 2O; Charcot-Marie-Tooth disease, axonal, type 20. Identifiers: Orphanet 284232, MedGen C3280220, MONDO:0013644, OMIM 614228.

Submission:

Labcorp Genetics (formerly Invitae), Labcorp
Classification: Uncertain significance for Charcot-Marie-Tooth disease axonal type 2O. Last evaluated: 2023-03-17. Review status: criteria provided, single submitter. Criteria: Invitae Variant Classification Sherloc (09022015). Collection method: clinical testing. Allele origin: germline.
Comment: This variant has not been reported in the literature in individuals affected with DYNC1H1-related conditions. This variant is not present in population databases (gnomAD no frequency). This sequence change replaces arginine, which is basic and polar, with cysteine, which is neutral and slightly polar, at codon 2948 of the DYNC1H1 protein (p.Arg2948Cys). Advanced modeling of protein sequence and biophysical properties (such as structural, functional, and spatial information, amino acid conservation, physicochemical variation, residue mobility, and thermodynamic stability) performed at Invitae indicates that this missense variant is expected to disrupt DYNC1H1 protein function. In summary, the available evidence is currently insufficient to determine the role of this variant in disease. Therefore, it has been classified as a Variant of Uncertain Significance.